The following is an entry in ClinVar:

ClinVar aggregate classification (germline): Conflicting classifications of pathogenicity. Review status: criteria provided, conflicting classifications (1 of 4 stars). 7 submissions from 7 submitters: Uncertain significance (3); Likely benign (4). Last evaluated 2026-02-18.

Conditions:
MYO7A-related disorder. Also called: MYO7A-related disorders.
Inborn genetic diseases. Identifiers: MedGen C0950123, MeSH D030342.

Allele frequency attached by ClinVar (database versions not stated): gnomAD exomes 0.00007; ESP Exome Variant Server 0.00008; TOPMed 0.00009; gnomAD 0.00010 and 0.00011; 1000 Genomes Project 30x 0.00016; ExAC 0.00018; 1000 Genomes Project 0.00020.
gnomAD v4.1: 128 of 1,601,522 alleles (0.008%); highest among the groups gnomAD compares: Middle Eastern, 0.2%; 1 homozygote.

Submissions (7):

PreventionGenetics, part of Exact Sciences
Classification: Uncertain significance for MYO7A-related condition. Last evaluated: 2026-02-18. Review status: criteria provided, single submitter. Criteria: ACMG Guidelines, 2015. Collection method: clinical testing. Allele origin: germline.
Comment: The MYO7A c.5356T>A variant is predicted to result in the amino acid substitution p.Ser1786Thr. To our knowledge, this variant has not been reported in the literature. This variant is reported in 0.012% of alleles in individuals of Latino descent in gnomAD. At this time, the clinical significance of this variant is uncertain due to the absence of conclusive functional and genetic evidence.

Labcorp Genetics (formerly Invitae), Labcorp
Classification: Likely benign. Last evaluated: 2026-01-06. Review status: criteria provided, single submitter. Criteria: Invitae Variant Classification Sherloc (09022015). Collection method: clinical testing. Allele origin: germline.

Blueprint Genetics
Classification: Likely benign. Last evaluated: 2024-10-29. Review status: criteria provided, single submitter. Criteria: ACMG Guidelines, 2015. Collection method: clinical testing. Allele origin: germline.

Ambry Genetics
Classification: Uncertain significance for Inborn genetic diseases. Last evaluated: 2023-04-20. Review status: criteria provided, single submitter. Criteria: Ambry Variant Classification Scheme 2023. Collection method: clinical testing. Allele origin: germline.

CeGaT Center for Human Genetics Tuebingen
Classification: Uncertain significance. Last evaluated: 2022-10-01. Review status: criteria provided, single submitter. Criteria: CeGaT Center For Human Genetics Tuebingen Variant Classification Criteria Version 2. Collection method: clinical testing. Allele origin: germline. Affected: yes. Observed: 1 variant allele.
Comment: MYO7A: PM2, PP3

Laboratory for Molecular Medicine, Mass General Brigham Personalized Medicine
Classification: Likely benign. Last evaluated: 2017-04-13. Review status: criteria provided, single submitter. Criteria: LMM Criteria. Collection method: clinical testing. Allele origin: germline. Observed: 11 variant alleles.
Comment: p.Ser1786Thr in exon 39 of MYO7A: This variant is not expected to have clinical significance because it was identified by our laboratory in several unaffected i ndividuals from one Saudi Arabian family who were homozygous for the variant or compound heterozygous with another pathogenic variant in MYO7A. This variant has also been identified in 12/116102 of European chromosomes by the Genome Aggrega tion Database (gnomAD; dbSNP rs374576916).

Breakthrough Genomics
Classification: Likely benign. Review status: criteria provided, single submitter. Criteria: ACMG Guidelines, 2015. Collection method: not provided. Allele origin: germline. Inheritance: Autosomal recessive inheritance. Affected: yes.

NM_000260.4(MYO7A):c.5356T>A (p.Ser1786Thr)

Gene: MYO7A (myosin VIIA; plus strand). Cytogenetic location: 11q13.5.
Variant type: single nucleotide variant.
Coding change: c.5356T>A on transcript NM_000260.4 (MANE Select); coding-DNA position 5356, T replaced by A.
Protein change: p.Ser1786Thr; replaces serine 1786 with threonine.
Molecular consequence: missense variant.
Genome position (GRCh38, 1-based): chr11:77,204,105, T>A. VCF-style: chr11-77204105-T-A. GRCh37 (hg19) VCF-style: chr11-76915150-T-A.
Other names: c.5242T>A, p.Ser1748Thr (NM_001127180.2); c.5209T>A, p.Ser1737Thr (NM_001369365.1); short protein forms S1786T, S1748T, S1737T.
Identifiers: ClinVar variation 178491 (VCV000178491.47), dbSNP rs374576916, ClinGen allele CA182430.